The following is an entry in ClinVar:

ClinVar aggregate classification (germline): Uncertain significance (1 of 4 stars; one submission).

Allele frequency attached by ClinVar (database versions not stated): TOPMed below 0.00001; gnomAD exomes 0.00006.
gnomAD v4.1: 80 of 1,613,560 alleles (0.005%); highest among the groups gnomAD compares: Non-Finnish European, 0.0066%; no homozygotes.

Submission:

Labcorp Genetics (formerly Invitae), Labcorp
Classification: Uncertain significance. Last evaluated: 2025-07-10. Review status: criteria provided, single submitter. Criteria: Invitae Variant Classification Sherloc (09022015). Collection method: clinical testing. Allele origin: germline.
Comment: This sequence change replaces valine, which is neutral and non-polar, with leucine, which is neutral and non-polar, at codon 856 of the MYO6 protein (p.Val856Leu). This variant is present in population databases (no rsID available, gnomAD 0.004%). This variant has not been reported in the literature in individuals affected with MYO6-related conditions. ClinVar contains an entry for this variant (Variation ID: 2763281). Invitae Evidence Modeling of protein sequence and biophysical properties (such as structural, functional, and spatial information, amino acid conservation, physicochemical variation, residue mobility, and thermodynamic stability) indicates that this missense variant is not expected to disrupt MYO6 protein function with a negative predictive value of 80%. In summary, the available evidence is currently insufficient to determine the role of this variant in disease. Therefore, it has been classified as a Variant of Uncertain Significance.

NM_004999.4(MYO6):c.2566G>T (p.Val856Leu)

Gene: MYO6 (myosin VI; plus strand). Cytogenetic location: 6q14.1.
Variant type: single nucleotide variant.
Coding change: c.2566G>T on transcript NM_004999.4 (MANE Select); coding-DNA position 2566, G replaced by T.
Protein change: p.Val856Leu; replaces valine 856 with leucine.
Molecular consequence: missense variant. On other transcripts: non-coding transcript variant (1).
Genome position (GRCh38, 1-based): chr6:75,886,902, G>T. VCF-style: chr6-75886902-G-T. GRCh37 (hg19) VCF-style: chr6-76596619-G-T.
Other names: c.2551G>T, p.Val851Leu (NM_001368138.1); c.2566G>T, p.Val856Leu (NM_001368865.1, NM_001368866.1, NM_001300899.2 and 2 more transcripts); short protein forms V851L, V856L.
Identifiers: ClinVar variation 2763281 (VCV002763281.3), dbSNP rs1391115040, ClinGen allele CA364775366.
Genomic context (GRCh38, chr6:75,886,902, plus strand): 5'-AGCATTGATGGTCTGGTTAAGGTGGGCACACTGAAAAAACGACTTGATAAATTTAATGAG[G>T]TAGTCAGTGTGTTGAAAGATGGAAAACCCGAGATGAATAAACAGATCAAGAATCTGGAAA-3'
Protein context (NP_004990.3, residues 846-866): LKKRLDKFNE[Val856Leu]VSVLKDGKPE